The following is an entry in ClinVar:

ClinVar aggregate classification (germline): Benign. Review status: criteria provided, multiple submitters, no conflicts (2 of 4 stars). 5 submissions from 4 submitters: Benign (5). Last evaluated 2022-03-15.

Conditions:
Ehlers-Danlos syndrome, classic type, 1 (EDSCL1). Also called: EHLERS-DANLOS SYNDROME, GRAVIS TYPE; EHLERS-DANLOS SYNDROME, SEVERE CLASSIC TYPE; EDS I; Ehlers-Danlos Syndrome, Classic Type, COL5A1-Related; Ehlers-Danlos syndrome, type 1. Identifiers: MedGen C0268335, MONDO:0019567, OMIM 130000.
Fibromuscular dysplasia, multifocal. Identifiers: MedGen C5543412, MONDO:0859151, OMIM 619329.
Ehlers-Danlos syndrome, classic type (cEDS). Identifiers: Orphanet 287, MedGen C4225429, MONDO:0007522.

Allele frequency attached by ClinVar (database versions not stated): gnomAD 0.22190 and 0.22376; TOPMed 0.22241; 1000 Genomes Project 0.21026; gnomAD exomes 0.23432; 1000 Genomes Project 30x 0.20706.
gnomAD v4.1: 373,008 of 1,600,184 alleles (23%); highest among the groups gnomAD compares: East Asian, 33%; 44,635 homozygotes.

Submissions (5):

Genome-Nilou Lab
Classification: Benign for Ehlers-Danlos syndrome, classic type, 1. Last evaluated: 2022-03-15. Review status: criteria provided, single submitter. Criteria: ACMG Guidelines, 2015. Collection method: clinical testing. Allele origin: germline. Affected: no.

Genome-Nilou Lab
Classification: Benign for Fibromuscular dysplasia, multifocal. Last evaluated: 2022-03-15. Review status: criteria provided, single submitter. Criteria: ACMG Guidelines, 2015. Collection method: clinical testing. Allele origin: germline. Affected: no.

ARUP Laboratories, Molecular Genetics and Genomics, ARUP Laboratories
Classification: Benign for Ehlers-Danlos syndrome, classic type, 1. Last evaluated: 2018-07-03. Review status: criteria provided, single submitter. Criteria: ARUP Molecular Germline Variant Investigation Process. Collection method: clinical testing. Allele origin: germline.

GeneDx
Classification: Benign. Last evaluated: 2018-06-18. Review status: criteria provided, single submitter. Criteria: GeneDx Variant Classification (06012015). Collection method: clinical testing. Allele origin: germline. Affected: yes.
Comment: This variant is considered likely benign or benign based on one or more of the following criteria: it is a conservative change, it occurs at a poorly conserved position in the protein, it is predicted to be benign by multiple in silico algorithms, and/or has population frequency not consistent with disease.

Breakthrough Genomics
Classification: Benign. Review status: criteria provided, single submitter. Criteria: ACMG Guidelines, 2015. Collection method: not provided. Allele origin: germline. Inheritance: Autosomal dominant inheritance. Affected: yes.

NM_000093.5(COL5A1):c.1570-59T>C

Gene: COL5A1 (collagen type V alpha 1 chain; plus strand). Cytogenetic location: 9q34.3.
Variant type: single nucleotide variant.
Coding change: c.1570-59T>C on transcript NM_000093.5 (MANE Select); 59 bases into the intron before coding-DNA position 1570, T replaced by C.
Molecular consequence: intron variant.
Genome position (GRCh38, 1-based): chr9:134,750,731, T>C. VCF-style: chr9-134750731-T-C. GRCh37 (hg19) VCF-style: chr9-137642577-T-C.
Other names: c.1570-59T>C (NM_001278074.1).
Identifiers: ClinVar variation 439525 (VCV000439525.13), dbSNP rs12686426, ClinGen allele CA13040906.